The following is an entry in ClinVar:

ClinVar aggregate classification (germline): Uncertain significance (1 of 4 stars; one submission).

Conditions:
Familial cancer of breast. Also called: Hereditary breast cancer; BREAST CANCER, FAMILIAL; hereditary breast carcinoma. Identifiers: Orphanet 227535, MedGen C0346153, MONDO:0016419, OMIM 114480. Disease mechanism: loss of function.

gnomAD v4.1: 16 of 1,611,930 alleles (0.00099%); highest among the groups gnomAD compares: Non-Finnish European, 0.0014%; no homozygotes.

Submission:

Labcorp Genetics (formerly Invitae), Labcorp
Classification: Uncertain significance for Familial cancer of breast. Last evaluated: 2024-10-16. Review status: criteria provided, single submitter. Criteria: Invitae Variant Classification Sherloc (09022015). Collection method: clinical testing. Allele origin: germline.
Comment: This sequence change replaces asparagine, which is neutral and polar, with serine, which is neutral and polar, at codon 341 of the CHEK2 protein (p.Asn341Ser). This variant is present in population databases (no rsID available, gnomAD 0.0009%). This variant has not been reported in the literature in individuals affected with CHEK2-related conditions. ClinVar contains an entry for this variant (Variation ID: 1379623). An algorithm developed to predict the effect of missense changes on protein structure and function (PolyPhen-2) suggests that this variant is likely to be disruptive. In summary, the available evidence is currently insufficient to determine the role of this variant in disease. Therefore, it has been classified as a Variant of Uncertain Significance.

NM_007194.4(CHEK2):c.1022A>G (p.Asn341Ser)

Gene: CHEK2 (checkpoint kinase 2; minus strand). Cytogenetic location: 22q12.1.
Variant type: single nucleotide variant.
Coding change: c.1022A>G on transcript NM_007194.4 (MANE Select); coding-DNA position 1022, A replaced by G.
Protein change: p.Asn341Ser; replaces asparagine 341 with serine.
Molecular consequence: missense variant. On other transcripts: intron variant (3).
Genome position (GRCh38, 1-based): chr22:28,696,974, T>C on the plus strand (A>G on the coding strand, the complement: CHEK2 is on the minus strand). VCF-style: chr22-28696974-T-C. GRCh37 (hg19) VCF-style: chr22-29092962-T-C.
Other names: c.1151A>G, p.Asn384Ser (NM_001005735.3); c.359A>G, p.Asn120Ser (NM_001257387.3, NM_001437942.1); c.821A>G, p.Asn274Ser (NM_001349956.3); c.1115A>G, p.Asn372Ser (NM_001438293.1); c.1009-1101A>G (NM_145862.3); c.1102-1101A>G (NM_001438295.1); c.1138-1101A>G (NM_001438294.1); short protein forms N120S, N274S, N341S, N384S, N372S.
Identifiers: ClinVar variation 1379623 (VCV001379623.7), dbSNP rs773846607, ClinGen allele CA323006898.
Genomic context (GRCh38, chr22:28,696,974, plus strand): 5'-TCCTCTTCTTGAGATGACAGTAAAACATTCTCTGGCTTTAAGTCACGGTGTATAATACCG[T>C]TTTCATGAAGGTACTACACAGAAAGGCAGGCATGACCCTCAGATTCATGCAGTAGATACT-3'
Protein context (NP_009125.1, residues 331-351): MLLAVQYLHE[Asn341Ser]GIIHRDLKPE